The following is an entry in ClinVar:

NM_000051.4(ATM):c.5006-8A>T

Gene: ATM (ATM serine/threonine kinase; plus strand). Cytogenetic location: 11q22.3.
Variant type: single nucleotide variant.
Coding change: c.5006-8A>T on transcript NM_000051.4 (MANE Select); 8 bases into the intron before coding-DNA position 5006, A replaced by T.
Molecular consequence: intron variant.
Genome position (GRCh38, 1-based): chr11:108,299,706, A>T. VCF-style: chr11-108299706-A-T. GRCh37 (hg19) VCF-style: chr11-108170433-A-T.
Other names: c.5006-8A>T (NM_001351834.2).
Identifiers: ClinVar variation 507870 (VCV000507870.1), dbSNP rs1057520447, ClinGen allele CA658797732.

ClinVar aggregate classification (germline): Likely benign (1 of 4 stars; one submission).

Submission:

GeneDx
Classification: Likely benign. Last evaluated: 2017-03-09. Review status: criteria provided, single submitter. Criteria: GeneDx Variant Classification (06012015). Collection method: clinical testing. Allele origin: germline. Affected: yes.
Comment: This variant is considered likely benign or benign based on one or more of the following criteria: it is a conservative change, it occurs at a poorly conserved position in the protein, it is predicted to be benign by multiple in silico algorithms, and/or has population frequency not consistent with disease.